The following is an entry in ClinVar:

NM_004104.5(FASN):c.1732G>A (p.Val578Ile)

Gene: FASN (fatty acid synthase; minus strand). Cytogenetic location: 17q25.3.
Variant type: single nucleotide variant.
Coding change: c.1732G>A on transcript NM_004104.5 (MANE Select); coding-DNA position 1732, G replaced by A.
Protein change: p.Val578Ile; replaces valine 578 with isoleucine.
Molecular consequence: missense variant.
Genome position (GRCh38, 1-based): chr17:82,090,513, C>T on the plus strand (G>A on the coding strand, the complement: FASN is on the minus strand). VCF-style: chr17-82090513-C-T. GRCh37 (hg19) VCF-style: chr17-80048389-C-T.
Other names: short protein forms V578I.
Identifiers: ClinVar variation 953935 (VCV000953935.9), dbSNP rs1043846212, ClinGen allele CA295137044.

ClinVar aggregate classification (germline): Uncertain significance (1 of 4 stars; one submission).

Conditions:
Epileptic encephalopathy. Identifiers: MedGen C0543888, HP:0200134.

Allele frequency attached by ClinVar (database versions not stated): gnomAD exomes below 0.00001; gnomAD 0.00001; TOPMed 0.00001.
gnomAD v4.1: 16 of 1,611,580 alleles (0.00099%); highest among the groups gnomAD compares: East Asian, 0.0022%; no homozygotes.

Submission:

Labcorp Genetics (formerly Invitae), Labcorp
Classification: Uncertain significance for Epileptic encephalopathy. Last evaluated: 2022-03-19. Review status: criteria provided, single submitter. Criteria: Invitae Variant Classification Sherloc (09022015). Collection method: clinical testing. Allele origin: germline.
Comment: In summary, the available evidence is currently insufficient to determine the role of this variant in disease. Therefore, it has been classified as a Variant of Uncertain Significance. Algorithms developed to predict the effect of missense changes on protein structure and function output the following: SIFT: "Tolerated"; PolyPhen-2: "Benign"; Align-GVGD: "Class C0". The isoleucine amino acid residue is found in multiple mammalian species, which suggests that this missense change does not adversely affect protein function. ClinVar contains an entry for this variant (Variation ID: 953935). This variant has not been reported in the literature in individuals affected with FASN-related conditions. The frequency data for this variant in the population databases is considered unreliable, as metrics indicate poor data quality at this position in the gnomAD database. This sequence change replaces valine, which is neutral and non-polar, with isoleucine, which is neutral and non-polar, at codon 578 of the FASN protein (p.Val578Ile).